The following is an entry in ClinVar:

NM_001710.6(CFB):c.475G>C (p.Asp159His)

Gene: CFB (complement factor B; plus strand). Cytogenetic location: 6p21.33.
Variant type: single nucleotide variant.
Coding change: c.475G>C on transcript NM_001710.6 (MANE Select); coding-DNA position 475, G replaced by C.
Protein change: p.Asp159His; replaces aspartic acid 159 with histidine.
Molecular consequence: missense variant.
Genome position (GRCh38, 1-based): chr6:31,947,183, G>C. VCF-style: chr6-31947183-G-C. GRCh37 (hg19) VCF-style: chr6-31914960-G-C.
Other names: short protein forms D159H.
Identifiers: ClinVar variation 4740244 (VCV004740244.1).

ClinVar aggregate classification (germline): Uncertain significance (1 of 4 stars; one submission).

Submission:

Labcorp Genetics (formerly Invitae), Labcorp
Classification: Uncertain significance. Last evaluated: 2025-04-29. Review status: criteria provided, single submitter. Criteria: Invitae Variant Classification Sherloc (09022015). Collection method: clinical testing. Allele origin: germline.
Comment: This sequence change replaces aspartic acid, which is acidic and polar, with histidine, which is basic and polar, at codon 159 of the CFB protein (p.Asp159His). This variant is not present in population databases (gnomAD no frequency). This variant has not been reported in the literature in individuals affected with CFB-related conditions. Invitae Evidence Modeling of protein sequence and biophysical properties (such as structural, functional, and spatial information, amino acid conservation, physicochemical variation, residue mobility, and thermodynamic stability) has been performed for this missense variant. However, the output from this modeling did not meet the statistical confidence thresholds required to predict the impact of this variant on CFB protein function. In summary, the available evidence is currently insufficient to determine the role of this variant in disease. Therefore, it has been classified as a Variant of Uncertain Significance.